The following is an entry in ClinVar:

NM_001453.3(FOXC1):c.581C>A (p.Pro194Gln)

Gene: FOXC1 (forkhead box C1; plus strand). Cytogenetic location: 6p25.3.
Variant type: single nucleotide variant.
Coding change: c.581C>A on transcript NM_001453.3 (MANE Select); coding-DNA position 581, C replaced by A.
Protein change: p.Pro194Gln; replaces proline 194 with glutamine.
Molecular consequence: missense variant.
Genome position (GRCh38, 1-based): chr6:1,611,026, C>A. VCF-style: chr6-1611026-C-A. GRCh37 (hg19) VCF-style: chr6-1611261-C-A.
Other names: short protein forms P194Q.
Identifiers: ClinVar variation 5021999 (VCV005021999.1).
Genomic context (GRCh38, chr6:1,611,026, plus strand): 5'-TCAAGAAGAAGGACGCGGTGAAGGACAAGGAGGAGAAGGACAGGCTGCACCTCAAGGAGC[C>A]GCCCCCGCCCGGCCGCCAGCCCCCGCCCGCGCCGCCGGAGCAGGCCGACGGCAACGCGCC-3'
Protein context (NP_001444.2, residues 184-204): EEKDRLHLKE[Pro194Gln]PPPGRQPPPA

ClinVar aggregate classification (germline): Uncertain significance (1 of 4 stars; one submission).

Conditions:
Inborn genetic diseases. Identifiers: MedGen C0950123, MeSH D030342.

gnomAD v4.1: 6 of 1,557,874 alleles (0.00039%); highest among the groups gnomAD compares: South Asian, 0.007%; 1 homozygote.

Submission:

Ambry Genetics
Classification: Uncertain significance for Inborn genetic diseases. Last evaluated: 2026-07-19. Review status: criteria provided, single submitter. Criteria: Ambry Variant Classification Scheme 2023. Collection method: clinical testing. Allele origin: germline.
Comment: The c.581C>A (p.P194Q) alteration is located in exon 1 (coding exon 1) of the FOXC1 gene. This alteration results from a C to A substitution at nucleotide position 581, causing the proline (P) at amino acid position 194 to be replaced by a glutamine (Q). Based on data from gnomAD, the A allele has an overall frequency of 0.001% (1/164340) total alleles studied. The highest observed frequency was 0.004% (1/24244) of South Asian alleles. Based on insufficient or conflicting evidence, the clinical significance of this alteration remains unclear.